The following is an entry in ClinVar:

NM_002907.4(RECQL):c.27G>C (p.Glu9Asp)

Gene: RECQL (RecQ like helicase; minus strand). Cytogenetic location: 12p12.1.
Variant type: single nucleotide variant.
Coding change: c.27G>C on transcript NM_002907.4 (MANE Select); coding-DNA position 27, G replaced by C.
Protein change: p.Glu9Asp; replaces glutamic acid 9 with aspartic acid.
Molecular consequence: missense variant.
Genome position (GRCh38, 1-based): chr12:21,491,706, C>G on the plus strand (G>C on the coding strand, the complement: RECQL is on the minus strand). VCF-style: chr12-21491706-C-G. GRCh37 (hg19) VCF-style: chr12-21644640-C-G.
Other names: c.27G>C, p.Glu9Asp (NM_032941.3); short protein forms E9D.
Identifiers: ClinVar variation 1313165 (VCV001313165.5), dbSNP rs2136756423, ClinGen allele CA384134728.

ClinVar aggregate classification (germline): Uncertain significance. Review status: criteria provided, multiple submitters, no conflicts (2 of 4 stars). 2 submissions from 2 submitters: Uncertain significance (2). Last evaluated 2025-05-02.

Submissions (2):

Ambry Genetics
Classification: Uncertain significance. Last evaluated: 2025-05-02. Review status: criteria provided, single submitter. Criteria: Ambry Variant Classification Scheme 2023. Collection method: clinical testing. Allele origin: germline.
Comment: The p.E9D variant (also known as c.27G>C), located in coding exon 2 of the RECQL gene, results from a G to C substitution at nucleotide position 27. The glutamic acid at codon 9 is replaced by aspartic acid, an amino acid with highly similar properties. This amino acid position is conserved. In addition, this alteration is predicted to be tolerated by in silico analysis. Since supporting evidence is limited at this time, the clinical significance of this alteration remains unclear.

GeneDx
Classification: Uncertain significance. Last evaluated: 2020-08-17. Review status: criteria provided, single submitter. Criteria: GeneDx Variant Classification Process June 2021. Collection method: clinical testing. Allele origin: germline. Affected: yes.
Comment: Not observed in large population cohorts (Lek et al., 2016); In silico analysis supports that this missense variant does not alter protein structure/function; Has not been previously published as pathogenic or benign to our knowledge